The following is an entry in ClinVar:

ClinVar aggregate classification (germline): Uncertain significance (1 of 4 stars; one submission).

Conditions:
Cardiovascular phenotype. Identifiers: MedGen CN230736.

Submission:

Ambry Genetics
Classification: Uncertain significance for Cardiovascular phenotype. Last evaluated: 2026-09-13. Review status: criteria provided, single submitter. Criteria: Ambry Variant Classification Scheme 2023. Collection method: clinical testing. Allele origin: germline.
Comment: The p.P494T variant (also known as c.1480C>A), located in coding exon 10 of the CBL gene, results from a C to A substitution at nucleotide position 1480. The proline at codon 494 is replaced by threonine, an amino acid with highly similar properties. This amino acid position is conserved. In addition, this alteration is predicted to be deleterious by in silico analysis. Based on the available evidence, the clinical significance of this variant remains unclear.

NM_005188.4(CBL):c.1480C>A (p.Pro494Thr)

Gene: CBL (Cbl proto-oncogene; plus strand). Cytogenetic location: 11q23.3.
Variant type: single nucleotide variant.
Coding change: c.1480C>A on transcript NM_005188.4 (MANE Select); coding-DNA position 1480, C replaced by A.
Protein change: p.Pro494Thr; replaces proline 494 with threonine.
Molecular consequence: missense variant.
Genome position (GRCh38, 1-based): chr11:119,285,017, C>A. VCF-style: chr11-119285017-C-A. GRCh37 (hg19) VCF-style: chr11-119155727-C-A.
Other names: short protein forms P494T.
Identifiers: ClinVar variation 5033779 (VCV005033779.1).